The following is an entry in ClinVar:

NM_021020.5(LZTS1):c.1586G>A (p.Arg529Gln)

Gene: LZTS1 (leucine zipper tumor suppressor 1; minus strand). Cytogenetic location: 8p21.3.
Variant type: single nucleotide variant.
Coding change: c.1586G>A on transcript NM_021020.5 (MANE Select); coding-DNA position 1586, G replaced by A.
Protein change: p.Arg529Gln; replaces arginine 529 with glutamine.
Molecular consequence: missense variant.
Genome position (GRCh38, 1-based): chr8:20,249,927, C>T on the plus strand (G>A on the coding strand, the complement: LZTS1 is on the minus strand). VCF-style: chr8-20249927-C-T. GRCh37 (hg19) VCF-style: chr8-20107438-C-T.
Other names: c.1586G>A, p.Arg529Gln (NM_001362884.2); short protein forms R529Q.
Identifiers: ClinVar variation 1935987 (VCV001935987.5), dbSNP rs765409978, ClinGen allele CA4657231.

ClinVar aggregate classification (germline): Uncertain significance (1 of 4 stars; one submission).

Allele frequency attached by ClinVar (database versions not stated): ExAC 0.00002.
gnomAD v4.1: 15 of 1,614,210 alleles (0.00093%); highest among the groups gnomAD compares: Admixed American, 0.0017%; no homozygotes.

Submission:

Labcorp Genetics (formerly Invitae), Labcorp
Classification: Uncertain significance. Last evaluated: 2022-05-06. Review status: criteria provided, single submitter. Criteria: Invitae Variant Classification Sherloc (09022015). Collection method: clinical testing. Allele origin: germline.
Comment: This variant has not been reported in the literature in individuals affected with LZTS1-related conditions. This variant is present in population databases (rs765409978, gnomAD 0.003%). This sequence change replaces arginine, which is basic and polar, with glutamine, which is neutral and polar, at codon 529 of the LZTS1 protein (p.Arg529Gln). Algorithms developed to predict the effect of missense changes on protein structure and function are either unavailable or do not agree on the potential impact of this missense change (SIFT: "Deleterious"; PolyPhen-2: "Probably Damaging"; Align-GVGD: "Class C0"). In summary, the available evidence is currently insufficient to determine the role of this variant in disease. Therefore, it has been classified as a Variant of Uncertain Significance.